The following is an entry in ClinVar:

ClinVar aggregate classification (germline): Conflicting classifications of pathogenicity. Review status: criteria provided, conflicting classifications (1 of 4 stars). 2 submissions from 2 submitters: Likely pathogenic (1); Uncertain significance (1). Last evaluated 2025-11-24.

Conditions:
Hyperlipoproteinemia, type I. Also called: HYPERLIPOPROTEINEMIA, TYPE IA; LPL DEFICIENCY; Lipase D deficiency; Familial Lipoprotein Lipase Deficiency; Hyperlipoproteinemia type 1; Hyperchylomicro-nemia familial. Identifiers: Orphanet 309015, Orphanet 444490, MedGen C0023817, MONDO:0009387, OMIM 238600. Disease mechanism: loss of function.

gnomAD v4.1: 17 of 1,613,974 alleles (0.0011%); highest among the groups gnomAD compares: African/African-American, 0.0027%; no homozygotes.

Submissions (2):

Women's Health and Genetics/Laboratory Corporation of America, LabCorp
Classification: Uncertain significance. Last evaluated: 2025-11-24. Review status: criteria provided, single submitter. Criteria: LabCorp Variant Classification Summary - May 2015. Collection method: clinical testing. Allele origin: germline.
Comment: Variant summary: LPL c.346C>T (p.Arg116Trp) results in a non-conservative amino acid change in the encoded protein sequence. Algorithms developed to predict the effect of missense changes on protein structure and function all suggest that this variant is likely to be disruptive. The variant allele was found at a frequency of 8e-06 in 251466 control chromosomes (gnomAD). The available data on variant occurrences in the general population are insufficient to allow any conclusion about variant significance. c.346C>T has been observed in individuals affected with hypertriglyceridemia. These reports do not provide unequivocal conclusions about association of the variant with Familial Lipoprotein Lipase Deficiency. To our knowledge, no experimental evidence demonstrating an impact on protein function has been reported. The following publications have been ascertained in the context of this evaluation (PMID: 36325899, 21159338). No submitters have cited clinical-significance assessments for this variant to ClinVar. Based on the evidence outlined above, the variant was classified as uncertain significance.

First Genomix Gene Laboratory, Genetic Diagnostics Department
Classification: Likely pathogenic for Hyperlipoproteinemia, type I. Last evaluated: 2025-06-20. Review status: criteria provided, single submitter. Criteria: ACMG Guidelines, 2015. Collection method: clinical testing. Allele origin: germline. Inheritance: Autosomal recessive inheritance. Affected: no. Observed: 1 variant allele.

Literature cited by the submitters: PubMed 21159338 (cited by Women's Health and Genetics/Laboratory Corporation of America, LabCorp); PubMed 36325899 (cited by Women's Health and Genetics/Laboratory Corporation of America, LabCorp).

NM_000237.3(LPL):c.346C>T (p.Arg116Trp)

Gene: LPL (lipoprotein lipase; plus strand). Cytogenetic location: 8p21.3.
Variant type: single nucleotide variant.
Coding change: c.346C>T on transcript NM_000237.3 (MANE Select); coding-DNA position 346, C replaced by T.
Protein change: p.Arg116Trp; replaces arginine 116 with tryptophan.
Molecular consequence: missense variant.
Genome position (GRCh38, 1-based): chr8:19,951,865, C>T. VCF-style: chr8-19951865-C-T. GRCh37 (hg19) VCF-style: chr8-19809376-C-T.
Other names: short protein forms R116W.
Identifiers: ClinVar variation 4537244 (VCV004537244.2).